The following is an entry in ClinVar:

ClinVar aggregate classification (germline): Uncertain significance (1 of 4 stars; one submission).

Conditions:
Familial adenomatous polyposis 1 (FAP1). Also called: POLYPOSIS, ADENOMATOUS INTESTINAL; FAMILIAL ADENOMATOUS POLYPOSIS 1, ATTENUATED. Identifiers: MedGen C2713442, MONDO:0021056, OMIM 175100. Disease mechanism: loss of function.

Allele frequency attached by ClinVar (database versions not stated): gnomAD exomes below 0.00001.
gnomAD v4.1: 1 of 1,614,116 alleles (0.000062%); highest among the groups gnomAD compares: Non-Finnish European, 0.000085%; no homozygotes.

Submission:

Labcorp Genetics (formerly Invitae), Labcorp
Classification: Uncertain significance for Familial adenomatous polyposis 1. Last evaluated: 2024-09-06. Review status: criteria provided, single submitter. Criteria: Invitae Variant Classification Sherloc (09022015). Collection method: clinical testing. Allele origin: germline.
Comment: This sequence change replaces aspartic acid, which is acidic and polar, with glycine, which is neutral and non-polar, at codon 1178 of the APC protein (p.Asp1178Gly). This variant is not present in population databases (gnomAD no frequency). This variant has not been reported in the literature in individuals affected with APC-related conditions. ClinVar contains an entry for this variant (Variation ID: 859040). Invitae Evidence Modeling of protein sequence and biophysical properties (such as structural, functional, and spatial information, amino acid conservation, physicochemical variation, residue mobility, and thermodynamic stability) indicates that this missense variant is not expected to disrupt APC protein function with a negative predictive value of 95%. In summary, the available evidence is currently insufficient to determine the role of this variant in disease. Therefore, it has been classified as a Variant of Uncertain Significance.

NM_000038.6(APC):c.3533A>G (p.Asp1178Gly)

Gene: APC (APC regulator of Wnt signaling pathway; plus strand). Cytogenetic location: 5q22.2.
Variant type: single nucleotide variant.
Coding change: c.3533A>G on transcript NM_000038.6 (MANE Select); coding-DNA position 3533, A replaced by G.
Protein change: p.Asp1178Gly; replaces aspartic acid 1178 with glycine.
Molecular consequence: missense variant.
Genome position (GRCh38, 1-based): chr5:112,839,127, A>G. VCF-style: chr5-112839127-A-G. GRCh37 (hg19) VCF-style: chr5-112174824-A-G.
Other names: c.3533A>G, p.Asp1178Gly (NM_001127510.3, NM_001354895.2); c.3479A>G, p.Asp1160Gly (NM_001127511.3); c.3587A>G, p.Asp1196Gly (NM_001354896.2); c.3563A>G, p.Asp1188Gly (NM_001354897.2); c.3458A>G, p.Asp1153Gly (NM_001354898.2); c.3449A>G, p.Asp1150Gly (NM_001354899.2); c.3410A>G, p.Asp1137Gly (NM_001354900.2); c.3356A>G, p.Asp1119Gly (NM_001354901.2); and 5 more; short protein forms D1178G, D1188G, D895G, D1196G, D1052G, D1077G, D1087G, D1150G.
Identifiers: ClinVar variation 859040 (VCV000859040.11), dbSNP rs1765448242, ClinGen allele CA16029095.
Genomic context (GRCh38, chr5:112,839,127, plus strand): 5'-GACCAACAAATTATAGCATAAAATATAATGAAGAGAAACGTCATGTGGATCAGCCTATTG[A>G]TTATAGTTTAAAATATGCCACAGATATTCCTTCATCACAGAAACAGTCATTTTCATTCTC-3'
Protein context (NP_000029.2, residues 1168-1188): EEKRHVDQPI[Asp1178Gly]YSLKYATDIP